The following is an entry in ClinVar:

ClinVar aggregate classification (germline): Uncertain significance. Review status: criteria provided, multiple submitters, no conflicts (2 of 4 stars). 2 submissions from 2 submitters: Uncertain significance (2). Last evaluated 2022-05-27.

Conditions:
Autosomal recessive ataxia, Beauce type. Also called: Spinocerebellar ataxia, autosomal recessive 8; ATAXIA, RECESSIVE, OF BEAUCE; SYNE1 Deficiency; SYNE1-Related Autosomal Recessive Cerebellar Ataxia. Identifiers: Orphanet 88644, MedGen C1853116, MONDO:0012549, OMIM 610743.
Emery-Dreifuss muscular dystrophy 4, autosomal dominant (EDMD4). Also called: EMERY-DREIFUSS MUSCULAR DYSTROPHY 4 WITH VARIABLE FEATURES. Identifiers: Orphanet 261, MedGen C2751807, MONDO:0013071, OMIM 612998.

Allele frequency attached by ClinVar (database versions not stated): gnomAD exomes below 0.00001.
gnomAD v4.1: 1 of 1,613,882 alleles (0.000062%); highest among the groups gnomAD compares: African/African-American, 0.0013%; no homozygotes.

Submissions (2):

Labcorp Genetics (formerly Invitae), Labcorp
Classification: Uncertain significance for Emery-Dreifuss muscular dystrophy 4, autosomal dominant; Autosomal recessive ataxia, Beauce type. Last evaluated: 2022-05-27. Review status: criteria provided, single submitter. Criteria: Invitae Variant Classification Sherloc (09022015). Collection method: clinical testing. Allele origin: germline.
Comment: This sequence change replaces glycine, which is neutral and non-polar, with aspartic acid, which is acidic and polar, at codon 7223 of the SYNE1 protein (p.Gly7223Asp). This variant is not present in population databases (gnomAD no frequency). This variant has not been reported in the literature in individuals affected with SYNE1-related conditions. ClinVar contains an entry for this variant (Variation ID: 1256371). Algorithms developed to predict the effect of missense changes on protein structure and function (SIFT, PolyPhen-2, Align-GVGD) all suggest that this variant is likely to be tolerated. In summary, the available evidence is currently insufficient to determine the role of this variant in disease. Therefore, it has been classified as a Variant of Uncertain Significance.

Athena Diagnostics
Classification: Uncertain significance. Last evaluated: 2021-05-13. Review status: criteria provided, single submitter. Criteria: Athena Diagnostics criteria. Collection method: clinical testing. Allele origin: unknown.

NM_182961.4(SYNE1):c.21881G>A (p.Gly7294Asp)

Gene: SYNE1 (spectrin repeat containing nuclear envelope protein 1; minus strand). Cytogenetic location: 6q25.2.
Variant type: single nucleotide variant.
Coding change: c.21881G>A on transcript NM_182961.4 (MANE Select); coding-DNA position 21881, G replaced by A.
Protein change: p.Gly7294Asp; replaces glycine 7294 with aspartic acid.
Molecular consequence: missense variant.
Genome position (GRCh38, 1-based): chr6:152,219,166, C>T on the plus strand (G>A on the coding strand, the complement: SYNE1 is on the minus strand). VCF-style: chr6-152219166-C-T. GRCh37 (hg19) VCF-style: chr6-152540301-C-T.
Other names: c.21668G>A, p.Gly7223Asp (NM_033071.5); short protein forms G7223D, G7294D.
Identifiers: ClinVar variation 1256371 (VCV001256371.6), dbSNP rs1377401737, ClinGen allele CA366104186.
Genomic context (GRCh38, chr6:152,219,166, plus strand): 5'-ACTTGTTGCTTCAGTTGCTCTCCCAGCTCATGGAGAAAAAAGAGGGAATCTTTAACTGTG[C>T]CCAGTCCTTTGAGGAGGTCCTAGAAGAGGTGAAAATATGCCCACTCTGAAGCATGTTGAT-3'
Protein context (NP_892006.3, residues 7284-7304): QDCNDLLKGL[Gly7294Asp]TVKDSLFFLH